The following is an entry in ClinVar:

NM_001242896.3(DEPDC5):c.2417G>T (p.Arg806Leu)

Gene: DEPDC5 (DEP domain containing 5, GATOR1 subcomplex subunit; plus strand). Cytogenetic location: 22q12.3.
Variant type: single nucleotide variant.
Coding change: c.2417G>T on transcript NM_001242896.3 (MANE Select); coding-DNA position 2417, G replaced by T.
Protein change: p.Arg806Leu; replaces arginine 806 with leucine.
Molecular consequence: missense variant. On other transcripts: non-coding transcript variant (5).
Genome position (GRCh38, 1-based): chr22:31,838,747, G>T. VCF-style: chr22-31838747-G-T. GRCh37 (hg19) VCF-style: chr22-32234733-G-T.
Other names: c.2390G>T, p.Arg797Leu (NM_001136029.4, NM_001369903.1, NM_014662.6); c.2183G>T, p.Arg728Leu (NM_001242897.2, NM_001363854.2, NM_001364319.2); c.2417G>T, p.Arg806Leu (NM_001363852.2, NM_001364318.2, NM_001364320.2); c.2333G>T, p.Arg778Leu (NM_001369901.1, NM_001369902.1); short protein forms R728L, R778L, R797L, R806L.
Identifiers: ClinVar variation 3372409 (VCV003372409.1).
Genomic context (GRCh38, chr22:31,838,747, plus strand): 5'-GGGACGAAGATGGTGTGCAGATGACAGCCCAGCAGGTATTTGAAGAGTTTATTTGCCAAC[G>T]TCTCATGCAGGGCTACCAAATCATAGTGCAGCCCAAGACACAGAAACCCAATCCTGCTGT-3'
Protein context (NP_001229825.1, residues 796-816): QQVFEEFICQ[Arg806Leu]LMQGYQIIVQ

ClinVar aggregate classification (germline): Uncertain significance (1 of 4 stars; one submission).

Submission:

GeneDx
Classification: Uncertain significance. Last evaluated: 2024-04-22. Review status: criteria provided, single submitter. Criteria: GeneDx Variant Classification Process June 2021. Collection method: clinical testing. Allele origin: germline. Affected: yes.
Comment: Not observed at significant frequency in large population cohorts (gnomAD); In silico analysis supports that this missense variant has a deleterious effect on protein structure/function; In silico analysis suggests this variant may impact gene splicing. In the absence of RNA/functional studies, the actual effect of this sequence change is unknown.; Has not been previously published as pathogenic or benign to our knowledge